The following is an entry in ClinVar:

NM_001127222.2(CACNA1A):c.2515C>T (p.Arg839Trp)

Gene: CACNA1A (calcium voltage-gated channel subunit alpha1 A; minus strand). Cytogenetic location: 19p13.13.
Variant type: single nucleotide variant.
Coding change: c.2515C>T on transcript NM_001127222.2 (MANE Select); coding-DNA position 2515, C replaced by T.
Protein change: p.Arg839Trp; replaces arginine 839 with tryptophan.
Molecular consequence: missense variant.
Genome position (GRCh38, 1-based): chr19:13,299,118, G>A on the plus strand (C>T on the coding strand, the complement: CACNA1A is on the minus strand). VCF-style: chr19-13299118-G-A. GRCh37 (hg19) VCF-style: chr19-13409932-G-A.
Other names: c.2527C>T, p.Arg843Trp (NM_000068.4, NM_023035.3); c.2518C>T, p.Arg840Trp (NM_001127221.2, NM_001174080.2); short protein forms R839W, R840W, R843W.
Identifiers: ClinVar variation 2576881 (VCV002576881.2), dbSNP rs1363229294, ClinGen allele CA404343278.

ClinVar aggregate classification (germline): Uncertain significance (1 of 4 stars; one submission).

gnomAD v4.1: 1 of 1,612,742 alleles (0.000062%); highest among the groups gnomAD compares: Non-Finnish European, 0.000085%; no homozygotes.

Submission:

GeneDx
Classification: Uncertain significance. Last evaluated: 2026-04-08. Review status: criteria provided, single submitter. Criteria: GeneDx Variant Classification Process June 2021. Collection method: clinical testing. Allele origin: germline.
Comment: Not observed at significant frequency in large population cohorts (gnomAD); In silico analysis supports that this missense variant has a deleterious effect on protein structure/function; Has not been previously published as pathogenic or benign to our knowledge